The following is an entry in ClinVar:

NM_005732.4(RAD50):c.3051G>T (p.Trp1017Cys)

Gene: RAD50 (RAD50 double strand break repair protein; plus strand). Cytogenetic location: 5q31.1.
Variant type: single nucleotide variant.
Coding change: c.3051G>T on transcript NM_005732.4 (MANE Select); coding-DNA position 3051, G replaced by T.
Protein change: p.Trp1017Cys; replaces tryptophan 1017 with cysteine.
Molecular consequence: missense variant.
Genome position (GRCh38, 1-based): chr5:132,616,017, G>T. VCF-style: chr5-132616017-G-T. GRCh37 (hg19) VCF-style: chr5-131951709-G-T.
Other names: short protein forms W1017C.
Identifiers: ClinVar variation 1432490 (VCV001432490.10), dbSNP rs1581008385, ClinGen allele CA360963424.
Genomic context (GRCh38, chr5:132,616,017, plus strand): 5'-TAGTAACTTGGTTATTTTTGTTAACTAATTTAATGTTTACCTTTAGATACAAGAAAGGTG[G>T]CTACAAGATAACCTTACTTTAAGAAAAAGAAATGAGGAACTAAAAGAAGTTGAAGAAGAA-3'
Protein context (NP_005723.2, residues 1007-1027): DIDTQKIQER[Trp1017Cys]LQDNLTLRKR

ClinVar aggregate classification (germline): Uncertain significance. Review status: criteria provided, multiple submitters, no conflicts (2 of 4 stars). 2 submissions from 2 submitters: Uncertain significance (2). Last evaluated 2021-11-30.

Conditions:
Hereditary cancer-predisposing syndrome. Also called: Hereditary Cancer Syndrome; Hereditary neoplastic syndrome; Neoplastic Syndromes, Hereditary; Tumor predisposition. Identifiers: Orphanet 140162, MedGen C0027672, MeSH D009386, MONDO:0015356.

Submissions (2):

Ambry Genetics
Classification: Uncertain significance for Hereditary cancer-predisposing syndrome. Last evaluated: 2021-11-30. Review status: criteria provided, single submitter. Criteria: Ambry Variant Classification Scheme 2023. Collection method: clinical testing. Allele origin: germline.
Comment: The p.W1017C variant (also known as c.3051G>T), located in coding exon 20 of the RAD50 gene, results from a G to T substitution at nucleotide position 3051. The tryptophan at codon 1017 is replaced by cysteine, an amino acid with highly dissimilar properties. This amino acid position is conserved. In addition, this alteration is predicted to be tolerated by in silico analysis. Since supporting evidence is limited at this time, the clinical significance of this alteration remains unclear.

Labcorp Genetics (formerly Invitae), Labcorp
Classification: Uncertain significance for Hereditary cancer-predisposing syndrome. Last evaluated: 2021-06-09. Review status: criteria provided, single submitter. Criteria: Invitae Variant Classification Sherloc (09022015). Collection method: clinical testing. Allele origin: germline.
Comment: This sequence change replaces tryptophan with cysteine at codon 1017 of the RAD50 protein (p.Trp1017Cys). The tryptophan residue is moderately conserved and there is a large physicochemical difference between tryptophan and cysteine. This variant is not present in population databases (ExAC no frequency). This variant has not been reported in the literature in individuals with RAD50-related conditions. Algorithms developed to predict the effect of missense changes on protein structure and function (SIFT, PolyPhen-2, Align-GVGD) all suggest that this variant is likely to be tolerated, but these predictions have not been confirmed by published functional studies and their clinical significance is uncertain. In summary, the available evidence is currently insufficient to determine the role of this variant in disease. Therefore, it has been classified as a Variant of Uncertain Significance.